The following is an entry in ClinVar:

ClinVar aggregate classification (germline): Uncertain significance. Review status: criteria provided, multiple submitters, no conflicts (2 of 4 stars). 2 submissions from 2 submitters: Uncertain significance (2). Last evaluated 2025-12-18.

Conditions:
Mucopolysaccharidosis type 7 (MPS7). Also called: SLY SYNDROME; BETA-GLUCURONIDASE DEFICIENCY; GUSB DEFICIENCY; MPS VII. Identifiers: Orphanet 584, MedGen C0085132, MONDO:0009662, OMIM 253220.

Allele frequency attached by ClinVar (database versions not stated): TOPMed below 0.00001.
gnomAD v4.1: 2 of 1,613,860 alleles (0.00012%); highest among the groups gnomAD compares: Admixed American, 0.0017%; no homozygotes.

Submissions (2):

Labcorp Genetics (formerly Invitae), Labcorp
Classification: Uncertain significance for Mucopolysaccharidosis type 7. Last evaluated: 2025-12-18. Review status: criteria provided, single submitter. Criteria: Invitae Variant Classification Sherloc (09022015). Collection method: clinical testing. Allele origin: germline.
Comment: This sequence change replaces asparagine, which is neutral and polar, with serine, which is neutral and polar, at codon 339 of the GUSB protein (p.Asn339Ser). This variant is not present in population databases (gnomAD no frequency). This missense change has been observed in individual(s) with mucopolysaccharidosis type VII (PMID: 19224584). ClinVar contains an entry for this variant (Variation ID: 1705073). Invitae Evidence Modeling of protein sequence and biophysical properties (such as structural, functional, and spatial information, amino acid conservation, physicochemical variation, residue mobility, and thermodynamic stability) indicates that this missense variant is expected to disrupt GUSB protein function with a positive predictive value of 80%. In summary, the available evidence is currently insufficient to determine the role of this variant in disease. Therefore, it has been classified as a Variant of Uncertain Significance.

Women's Health and Genetics/Laboratory Corporation of America, LabCorp
Classification: Uncertain significance. Last evaluated: 2025-07-10. Review status: criteria provided, single submitter. Criteria: LabCorp Variant Classification Summary - May 2015. Collection method: clinical testing. Allele origin: germline.
Comment: Variant summary: GUSB c.1016A>G (p.Asn339Ser) results in a conservative amino acid change located in the Glycoside hydrolase family 2, catalytic domain (IPR006103) of the encoded protein sequence. Algorithms developed to predict the effect of missense changes on protein structure and function are either unavailable or do not agree on the potential impact of this missense change. The variant was absent in 251148 control chromosomes. The available data on variant occurrences in the general population are insufficient to allow any conclusion about variant significance. c.1016A>G has been observed in one individual affected with Mucopolysaccharidosis Type VII (Sly Syndrome) (Tomatsu_2009). These report(s) do not provide unequivocal conclusions about association of the variant with Mucopolysaccharidosis Type VII (Sly Syndrome). To our knowledge, no experimental evidence demonstrating an impact on protein function has been reported. The following publications have been ascertained in the context of this evaluation (PMID: 26415878, 19224584). ClinVar contains an entry for this variant (Variation ID: 1705073). Based on the evidence outlined above, the variant was classified as uncertain significance.

Literature cited by the submitters: PubMed 19224584 (cited by Labcorp Genetics (formerly Invitae), Labcorp and Women's Health and Genetics/Laboratory Corporation of America, LabCorp); PubMed 26415878 (cited by Women's Health and Genetics/Laboratory Corporation of America, LabCorp).

NM_000181.4(GUSB):c.1016A>G (p.Asn339Ser)

Gene: GUSB (glucuronidase beta; minus strand). Cytogenetic location: 7q11.21.
Variant type: single nucleotide variant.
Coding change: c.1016A>G on transcript NM_000181.4 (MANE Select); coding-DNA position 1016, A replaced by G.
Protein change: p.Asn339Ser; replaces asparagine 339 with serine.
Molecular consequence: missense variant. On other transcripts: non-coding transcript variant (1).
Genome position (GRCh38, 1-based): chr7:65,974,968, T>C on the plus strand (A>G on the coding strand, the complement: GUSB is on the minus strand). VCF-style: chr7-65974968-T-C. GRCh37 (hg19) VCF-style: chr7-65439955-T-C.
Other names: c.578A>G, p.Asn193Ser (NM_001284290.2); c.446A>G, p.Asn149Ser (NM_001293104.2); c.359A>G, p.Asn120Ser (NM_001293105.2); short protein forms N120S, N149S, N193S, N339S.
Identifiers: ClinVar variation 1705073 (VCV001705073.3), dbSNP rs1791469915, ClinGen allele CA367644732.